The following is an entry in ClinVar:

NM_001368882.1(COL13A1):c.1598C>T (p.Pro533Leu)

Gene: COL13A1 (collagen type XIII alpha 1 chain; plus strand). Cytogenetic location: 10q22.1.
Variant type: single nucleotide variant.
Coding change: c.1598C>T on transcript NM_001368882.1 (MANE Select); coding-DNA position 1598, C replaced by T.
Protein change: p.Pro533Leu; replaces proline 533 with leucine.
Molecular consequence: missense variant.
Genome position (GRCh38, 1-based): chr10:69,930,467, C>T. VCF-style: chr10-69930467-C-T. GRCh37 (hg19) VCF-style: chr10-71690223-C-T.
Other names: c.1565C>T, p.Pro522Leu (NM_001130103.2); c.1535C>T, p.Pro512Leu (NM_001320951.2, NM_001368884.1); c.1562C>T, p.Pro521Leu (NM_001368883.1); c.1499C>T, p.Pro500Leu (NM_001368885.1, NM_080801.4, NM_080802.4); c.935C>T, p.Pro312Leu (NM_001368886.1); c.1508C>T, p.Pro503Leu (NM_001368895.1, NM_080800.4); c.1394C>T, p.Pro465Leu (NM_001368896.1, NM_001368898.1, NM_080798.4); c.1421C>T, p.Pro474Leu (NM_001368897.1); and 2 more; short protein forms P500L, P522L, P312L, P471L, P521L, P533L, P465L, P512L.
Identifiers: ClinVar variation 1465432 (VCV001465432.4), dbSNP rs369947504, ClinGen allele CA5534841.

ClinVar aggregate classification (germline): Uncertain significance. Review status: criteria provided, multiple submitters, no conflicts (2 of 4 stars). 2 submissions from 2 submitters: Uncertain significance (2). Last evaluated 2024-02-21.

Conditions:
Inborn genetic diseases. Identifiers: MedGen C0950123, MeSH D030342.

Allele frequency attached by ClinVar (database versions not stated): TOPMed 0.00002; ExAC 0.00003; gnomAD exomes 0.00004 and 0.00007; gnomAD 0.00005; ESP Exome Variant Server 0.00008.
gnomAD v4.1: 106 of 1,613,646 alleles (0.0066%); highest among the groups gnomAD compares: Non-Finnish European, 0.0086%; no homozygotes.

Submissions (2):

Ambry Genetics
Classification: Uncertain significance for Inborn genetic diseases. Last evaluated: 2024-02-21. Review status: criteria provided, single submitter. Criteria: Ambry Variant Classification Scheme 2023. Collection method: clinical testing. Allele origin: germline.

Labcorp Genetics (formerly Invitae), Labcorp
Classification: Uncertain significance. Last evaluated: 2022-01-16. Review status: criteria provided, single submitter. Criteria: Invitae Variant Classification Sherloc (09022015). Collection method: clinical testing. Allele origin: germline.
Comment: This sequence change replaces proline, which is neutral and non-polar, with leucine, which is neutral and non-polar, at codon 522 of the COL13A1 protein (p.Pro522Leu). This variant is present in population databases (rs369947504, gnomAD 0.009%). This variant has not been reported in the literature in individuals affected with COL13A1-related conditions. Algorithms developed to predict the effect of missense changes on protein structure and function (SIFT, PolyPhen-2, Align-GVGD) all suggest that this variant is likely to be disruptive. In summary, the available evidence is currently insufficient to determine the role of this variant in disease. Therefore, it has been classified as a Variant of Uncertain Significance.